The following is an entry in ClinVar:

ClinVar aggregate classification (germline): Likely benign (1 of 4 stars; one submission).

Allele frequency attached by ClinVar (database versions not stated): 1000 Genomes Project 30x 0.00031; 1000 Genomes Project 0.00040; ESP Exome Variant Server 0.00062; ExAC 0.00079; TOPMed 0.00079; gnomAD 0.00087; gnomAD exomes 0.00088.
gnomAD v4.1: 1,415 of 1,602,348 alleles (0.088%); highest among the groups gnomAD compares: Middle Eastern, 0.48%; 4 homozygotes.

Submission:

CeGaT Center for Human Genetics Tuebingen
Classification: Likely benign. Last evaluated: 2023-03-01. Review status: criteria provided, single submitter. Criteria: CeGaT Center For Human Genetics Tuebingen Variant Classification Criteria Version 2. Collection method: clinical testing. Allele origin: germline. Affected: yes. Observed: 1 variant allele.
Comment: BCAR1: BP4, BP7

NM_014567.5(BCAR1):c.807A>C (p.Thr269=)

Gene: BCAR1 (BCAR1 scaffold protein, Cas family member; minus strand). Cytogenetic location: 16q23.1.
Variant type: single nucleotide variant.
Coding change: c.807A>C on transcript NM_014567.5 (MANE Select); coding-DNA position 807, A replaced by C.
Protein change: p.Thr269=; no amino-acid change (threonine 269 retained).
Molecular consequence: synonymous variant.
Genome position (GRCh38, 1-based): chr16:75,236,987, T>G on the plus strand (A>C on the coding strand, the complement: BCAR1 is on the minus strand). VCF-style: chr16-75236987-T-G. GRCh37 (hg19) VCF-style: chr16-75270885-T-G.
Other names: c.945A>C, p.Thr315= (NM_001170714.3); c.861A>C, p.Thr287= (NM_001170715.3, NM_001170716.3); c.807A>C, p.Thr269= (NM_001170717.3, NM_001170718.3); c.801A>C, p.Thr267= (NM_001170719.3); c.363A>C, p.Thr121= (NM_001170720.3); c.177A>C, p.Thr59= (NM_001170721.3).
Identifiers: ClinVar variation 2646873 (VCV002646873.24), dbSNP rs150912813, ClinGen allele CA8174290.
Genomic context (GRCh38, chr16:75,236,987, plus strand): 5'-CACGTCATACACCTCCAGCAACGGGTCTCGGCCATTGGGACCCTTGACAGCCATGGGGGG[T>G]GTGTCATACACCTGGGGCAGAAACAGTGCAGGGTTAACGGCGCCAGGGCCACTTGGGGGA-3'
Protein context (NP_055382.2, residues 259-279): PSQYGQEVYD[Thr269=]PPMAVKGPNG